The following is an entry in ClinVar:

NM_005141.5(FGB):c.670C>T (p.Arg224Cys)

Gene: FGB (fibrinogen beta chain; plus strand). Cytogenetic location: 4q31.3.
Variant type: single nucleotide variant.
Coding change: c.670C>T on transcript NM_005141.5 (MANE Select); coding-DNA position 670, C replaced by T.
Protein change: p.Arg224Cys; replaces arginine 224 with cysteine.
Molecular consequence: missense variant.
Genome position (GRCh38, 1-based): chr4:154,567,772, C>T. VCF-style: chr4-154567772-C-T. GRCh37 (hg19) VCF-style: chr4-155488924-C-T.
Other names: c.493C>T, p.Arg165Cys (NM_001184741.1); c.538C>T, p.Arg180Cys (NM_001382759.1); c.670C>T, p.Arg224Cys (NM_001382760.1, NM_001382761.1, NM_001382762.1 and 3 more transcripts); short protein forms R165C, R224C, R180C.
Identifiers: ClinVar variation 2888252 (VCV002888252.3), dbSNP rs772014512, ClinGen allele CA3114588.

ClinVar aggregate classification (germline): Uncertain significance (1 of 4 stars; one submission).

Allele frequency attached by ClinVar (database versions not stated): gnomAD 0.00001; gnomAD exomes 0.00003; ExAC 0.00005.

Submission:

Labcorp Genetics (formerly Invitae), Labcorp
Classification: Uncertain significance. Last evaluated: 2023-11-04. Review status: criteria provided, single submitter. Criteria: Invitae Variant Classification Sherloc (09022015). Collection method: clinical testing. Allele origin: germline.
Comment: This sequence change replaces arginine, which is basic and polar, with cysteine, which is neutral and slightly polar, at codon 224 of the FGB protein (p.Arg224Cys). This variant is present in population databases (rs772014512, gnomAD 0.06%). This variant has not been reported in the literature in individuals affected with FGB-related conditions. Advanced modeling of protein sequence and biophysical properties (such as structural, functional, and spatial information, amino acid conservation, physicochemical variation, residue mobility, and thermodynamic stability) performed at Invitae indicates that this missense variant is not expected to disrupt FGB protein function with a negative predictive value of 80%. In summary, the available evidence is currently insufficient to determine the role of this variant in disease. Therefore, it has been classified as a Variant of Uncertain Significance.